The following is an entry in ClinVar:

ClinVar aggregate classification (germline): Uncertain significance. Review status: criteria provided, multiple submitters, no conflicts (2 of 4 stars). 2 submissions from 2 submitters: Uncertain significance (2). Last evaluated 2024-05-14.

Conditions:
Fanconi anemia complementation group P. Also called: SLX4-Related Fanconi Anemia. Identifiers: Orphanet 84, MedGen C3469542, MONDO:0013499, OMIM 613951.
Fanconi anemia (FA). Also called: Fanconi's anemia. Identifiers: Orphanet 84, MedGen C0015625, MeSH D005199, MONDO:0019391.

Allele frequency attached by ClinVar (database versions not stated): gnomAD exomes below 0.00001; TOPMed below 0.00001; ExAC 0.00001.

Submissions (2):

Fulgent Genetics
Classification: Uncertain significance for Fanconi anemia complementation group P. Last evaluated: 2024-05-14. Review status: criteria provided, single submitter. Criteria: ACMG Guidelines, 2015. Collection method: clinical testing. Allele origin: germline.

Labcorp Genetics (formerly Invitae), Labcorp
Classification: Uncertain significance for Fanconi anemia. Last evaluated: 2022-10-26. Review status: criteria provided, single submitter. Criteria: Invitae Variant Classification Sherloc (09022015). Collection method: clinical testing. Allele origin: germline.
Comment: This sequence change replaces leucine, which is neutral and non-polar, with proline, which is neutral and non-polar, at codon 755 of the SLX4 protein (p.Leu755Pro). This variant is present in population databases (rs749233559, gnomAD 0.002%). This variant has not been reported in the literature in individuals affected with SLX4-related conditions. Algorithms developed to predict the effect of missense changes on protein structure and function are either unavailable or do not agree on the potential impact of this missense change (SIFT: "Deleterious"; PolyPhen-2: "Probably Damaging"; Align-GVGD: "Class C0"). In summary, the available evidence is currently insufficient to determine the role of this variant in disease. Therefore, it has been classified as a Variant of Uncertain Significance.

NM_032444.4(SLX4):c.2264T>C (p.Leu755Pro)

Gene: SLX4 (SLX4 structure-specific endonuclease subunit; minus strand). Cytogenetic location: 16p13.3.
Variant type: single nucleotide variant.
Coding change: c.2264T>C on transcript NM_032444.4 (MANE Select); coding-DNA position 2264, T replaced by C.
Protein change: p.Leu755Pro; replaces leucine 755 with proline.
Molecular consequence: missense variant.
Genome position (GRCh38, 1-based): chr16:3,592,762, A>G on the plus strand (T>C on the coding strand, the complement: SLX4 is on the minus strand). VCF-style: chr16-3592762-A-G. GRCh37 (hg19) VCF-style: chr16-3642763-A-G.
Other names: short protein forms L755P.
Identifiers: ClinVar variation 2152917 (VCV002152917.2), dbSNP rs749233559, ClinGen allele CA7866214.